The following is an entry in ClinVar:

ClinVar aggregate classification (germline): Uncertain significance (1 of 4 stars; one submission).

Submission:

Women's Health and Genetics/Laboratory Corporation of America, LabCorp
Classification: Uncertain significance. Last evaluated: 2025-05-22. Review status: criteria provided, single submitter. Criteria: LabCorp Variant Classification Summary - May 2015. Collection method: clinical testing. Allele origin: germline.
Comment: Variant summary: PCCB c.1171T>G (p.Phe391Val) results in a non-conservative amino acid change in the encoded protein sequence. Algorithms developed to predict the effect of missense changes on protein structure and function all suggest that this variant is likely to be disruptive. The variant was absent in 251416 control chromosomes. The available data on variant occurrences in the general population are insufficient to allow any conclusion about variant significance. To our knowledge, no occurrence of c.1171T>G in individuals affected with Propionic Acidemia and no experimental evidence demonstrating its impact on protein function have been reported. A different variant affecting the same codon has been classified as likely pathogenic by our lab (c.1172T>C, p.Phe391Ser), supporting the critical relevance of codon 391 to PCCB protein function. No submitters have cited clinical-significance assessments for this variant to ClinVar. Based on the evidence outlined above, the variant was classified as uncertain significance.

NM_000532.5(PCCB):c.1171T>G (p.Phe391Val)

Gene: PCCB (propionyl-CoA carboxylase subunit beta; plus strand). Cytogenetic location: 3q22.3.
Variant type: single nucleotide variant.
Coding change: c.1171T>G on transcript NM_000532.5 (MANE Select); coding-DNA position 1171, T replaced by G.
Protein change: p.Phe391Val; replaces phenylalanine 391 with valine.
Molecular consequence: missense variant.
Genome position (GRCh38, 1-based): chr3:136,326,883, T>G. VCF-style: chr3-136326883-T-G. GRCh37 (hg19) VCF-style: chr3-136045725-T-G.
Other names: c.1231T>G, p.Phe411Val (NM_001178014.2); short protein forms F391V, F411V.
Identifiers: ClinVar variation 3902757 (VCV003902757.1).